The following is an entry in ClinVar:

ClinVar aggregate classification (germline): Benign/Likely benign. Review status: criteria provided, multiple submitters, no conflicts (2 of 4 stars). 4 submissions from 4 submitters: Benign (1); Likely benign (3). Last evaluated 2025-05-27.

Conditions:
Hereditary cancer-predisposing syndrome. Also called: Neoplastic Syndromes, Hereditary; Hereditary Cancer Syndrome; Tumor predisposition; Hereditary neoplastic syndrome. Identifiers: Orphanet 140162, MedGen C0027672, MeSH D009386, MONDO:0015356.
Familial cancer of breast. Also called: BREAST CANCER, FAMILIAL; hereditary breast carcinoma; Hereditary breast cancer. Identifiers: Orphanet 227535, MedGen C0346153, MONDO:0016419, OMIM 114480. Disease mechanism: loss of function.

Submissions (4):

Labcorp Genetics (formerly Invitae), Labcorp
Classification: Likely benign for Familial cancer of breast. Last evaluated: 2025-05-27. Review status: criteria provided, single submitter. Criteria: Invitae Variant Classification Sherloc (09022015). Collection method: clinical testing. Allele origin: germline.

Myriad Genetics, Inc.
Classification: Benign for Familial cancer of breast. Last evaluated: 2025-01-13. Review status: criteria provided, single submitter. Criteria: Myriad Autosomal Dominant, Autosomal Recessive and X-Linked Classification Criteria (2023). Collection method: clinical testing. Allele origin: unknown.
Comment: This variant is considered benign. This variant is a silent/synonymous amino acid change and it is not expected to impact splicing.

Color Diagnostics, LLC DBA Color Health
Classification: Likely benign for Hereditary cancer-predisposing syndrome. Last evaluated: 2024-12-23. Review status: criteria provided, single submitter. Criteria: ACMG Guidelines, 2015. Collection method: clinical testing. Allele origin: germline.

Ambry Genetics
Classification: Likely benign for Hereditary cancer-predisposing syndrome. Last evaluated: 2023-12-25. Review status: criteria provided, single submitter. Criteria: Ambry Variant Classification Scheme 2023. Collection method: clinical testing. Allele origin: germline.

NM_024675.4(PALB2):c.1377C>T (p.Asp459=)

Gene: PALB2 (partner and localizer of BRCA2; minus strand). Cytogenetic location: 16p12.2.
Variant type: single nucleotide variant.
Coding change: c.1377C>T on transcript NM_024675.4 (MANE Select); coding-DNA position 1377, C replaced by T.
Protein change: p.Asp459=; no amino-acid change (aspartic acid 459 retained).
Molecular consequence: synonymous variant.
Genome position (GRCh38, 1-based): chr16:23,635,169, G>A on the plus strand (C>T on the coding strand, the complement: PALB2 is on the minus strand). VCF-style: chr16-23635169-G-A. GRCh37 (hg19) VCF-style: chr16-23646490-G-A.
Other names: c.1377C>T (NM_024675.3).
Identifiers: ClinVar variation 1549895 (VCV001549895.12), dbSNP rs771002573, ClinGen allele CA494461494.